The following is an entry in ClinVar:

NM_144997.7(FLCN):c.321dup (p.Ser108fs)

Gene: FLCN (folliculin; minus strand). Cytogenetic location: 17p11.2.
Variant type: Duplication.
Coding change: c.321dup on transcript NM_144997.7 (MANE Select); coding-DNA position 321, one base duplicated (C; older notation c.321dupC).
Protein change: p.Ser108fs; shifts the reading frame from serine 108.
Molecular consequence: frameshift variant.
Genome position (GRCh38, 1-based): chr17:17,226,251, G duplicated on the plus strand (C on the coding strand, the reverse complement: FLCN is on the minus strand). VCF-style (leftmost placement, unchanged base first): chr17-17226250-T-TG. GRCh37 (hg19) VCF-style: chr17-17129564-T-TG.
Other names: c.321dup, p.Ser108fs (NM_001353229.2, NM_001353230.2, NM_001353231.2 and 1 more transcripts); short protein forms S108fs.
Identifiers: ClinVar variation 1071978 (VCV001071978.1), dbSNP rs2145012125, ClinGen allele CA2499223925.

ClinVar aggregate classification (germline): Pathogenic (1 of 4 stars; one submission).

Conditions:
Birt-Hogg-Dube syndrome. Also called: Birt Hogg Dubé syndrome. Identifiers: Orphanet 122, MedGen C0346010, MONDO:0800444.

Submission:

Labcorp Genetics (formerly Invitae), Labcorp
Classification: Pathogenic for Birt-Hogg-Dube syndrome. Last evaluated: 2020-01-20. Review status: criteria provided, single submitter. Criteria: Invitae Variant Classification Sherloc (09022015). Collection method: clinical testing. Allele origin: germline.
Comment: This sequence change creates a premature translational stop signal (p.Val107Hisfs*26) in the FLCN gene. It is expected to result in an absent or disrupted protein product. This variant is not present in population databases (ExAC no frequency). This variant has been observed in individuals affected with Birt-Hogg-DubâˆšÂ© syndrome (PMID: 18234728, 22146830, 24910976). It is also known as c.774-5delGTinsCAC in the literature. ClinVar contains an entry for this variant (Variation ID: 96483). Loss-of-function variants in FLCN are known to be pathogenic (PMID: 15852235). For these reasons, this variant has been classified as Pathogenic.

Literature cited by the submitters: PubMed 18234728; PubMed 22146830; PubMed 24910976; PubMed 15852235.